The following is an entry in ClinVar:

NM_005912.3(MC4R):c.892G>A (p.Asp298Asn)

Gene: MC4R (melanocortin 4 receptor; minus strand). Cytogenetic location: 18q21.32.
Variant type: single nucleotide variant.
Coding change: c.892G>A on transcript NM_005912.3 (MANE Select); coding-DNA position 892, G replaced by A.
Protein change: p.Asp298Asn; replaces aspartic acid 298 with asparagine.
Molecular consequence: missense variant.
Genome position (GRCh38, 1-based): chr18:60,371,458, C>T on the plus strand (G>A on the coding strand, the complement: MC4R is on the minus strand). VCF-style: chr18-60371458-C-T. GRCh37 (hg19) VCF-style: chr18-58038691-C-T.
Other names: short protein forms D298N.
Identifiers: ClinVar variation 3351958 (VCV003351958.2).

ClinVar aggregate classification (germline): Uncertain significance (1 of 4 stars; one submission).

Conditions:
MC4R-related disorder. Also called: MC4R-related condition.

gnomAD v4.1: 9 of 1,613,892 alleles (0.00056%); highest among the groups gnomAD compares: East Asian, 0.0045%; no homozygotes.

Submission:

PreventionGenetics, part of Exact Sciences
Classification: Uncertain significance for MC4R-related condition. Last evaluated: 2025-06-30. Review status: criteria provided, single submitter. Criteria: ACMG Guidelines, 2015. Collection method: clinical testing. Allele origin: germline.
Comment: The MC4R c.892G>A variant is predicted to result in the amino acid substitution p.Asp298Asn. To our knowledge, this variant has not been reported in the literature in patients with disease. This variant has been reported in the literature for several animal studies (Kim et al. 2000. PubMed ID: 10656927; Fontanesi et al. 2013. doi:10.1016/j.livsci.2013.07.006; Calta et al. 2023. PubMed ID: 36583444). Functional studies have demonstrated that this amino acid substitution decreases protein activity (Kim et al. 2004. PubMed ID: 14732454; Zhang et al. 2020. PubMed ID: 32738077). This variant is reported in 0.0080% of alleles in individuals of European (Finnish) descent in gnomAD. At this time, the clinical significance of this variant is uncertain due to the absence of conclusive functional and genetic evidence.